The following is an entry in ClinVar:

NM_001040108.2(MLH3):c.3716-1G>A

Gene: MLH3 (mutL homolog 3; minus strand). Cytogenetic location: 14q24.3.
Variant type: single nucleotide variant.
Coding change: c.3716-1G>A on transcript NM_001040108.2 (MANE Select); the canonical splice acceptor site of the intron before coding-DNA position 3716, G replaced by A.
Molecular consequence: splice acceptor variant.
Genome position (GRCh38, 1-based): chr14:75,032,180, C>T on the plus strand (G>A on the coding strand, the complement: MLH3 is on the minus strand). VCF-style: chr14-75032180-C-T. GRCh37 (hg19) VCF-style: chr14-75498883-C-T.
Other names: c.3644-1G>A (NM_014381.3).
Identifiers: ClinVar variation 1734236 (VCV001734236.23), dbSNP rs1243847782, ClinGen allele CA390425126.

ClinVar aggregate classification (germline): Pathogenic/Likely pathogenic. Review status: criteria provided, multiple submitters, no conflicts (2 of 4 stars). 2 submissions from 2 submitters: Pathogenic (1); Likely pathogenic (1). Last evaluated 2026-07-13.

Allele frequency attached by ClinVar (database versions not stated): gnomAD exomes below 0.00001; TOPMed below 0.00001.
gnomAD v4.1: 4 of 1,590,446 alleles (0.00025%); highest among the groups gnomAD compares: Non-Finnish European, 0.00035%; no homozygotes.

Submissions (2):

Ambry Genetics
Classification: Likely pathogenic. Last evaluated: 2026-07-13. Review status: criteria provided, single submitter. Criteria: Ambry Variant Classification Scheme 2023. Collection method: clinical testing. Allele origin: germline.
Comment: The c.3716-1G>A intronic variant results from a G to A substitution one nucleotide upstream from coding exon 7 of the MLH3 gene. This nucleotide position is highly conserved in available vertebrate species. In silico splice site analysis predicts that this alteration will weaken the native splice acceptor site and may result in the creation or strengthening of a novel splice acceptor site. Alterations that disrupt the canonical splice site are expected to cause aberrant splicing, resulting in an abnormal protein or a transcript that is subject to nonsense-mediated mRNA decay. As such, this alteration is classified as likely pathogenic.

CeGaT Center for Human Genetics Tuebingen
Classification: Pathogenic. Last evaluated: 2024-04-01. Review status: criteria provided, single submitter. Criteria: CeGaT Center For Human Genetics Tuebingen Variant Classification Criteria Version 2. Collection method: clinical testing. Allele origin: germline. Affected: yes. Observed: 1 variant allele.
Comment: MLH3: PVS1, PM2